The following is an entry in ClinVar:

NM_006648.4(WNK2):c.2081C>A (p.Ser694Tyr)

Gene: WNK2 (WNK lysine deficient protein kinase 2; plus strand). Cytogenetic location: 9q22.31.
Variant type: single nucleotide variant.
Coding change: c.2081C>A on transcript NM_006648.4 (MANE Select); coding-DNA position 2081, C replaced by A.
Protein change: p.Ser694Tyr; replaces serine 694 with tyrosine.
Molecular consequence: missense variant.
Genome position (GRCh38, 1-based): chr9:93,256,345, C>A. VCF-style: chr9-93256345-C-A. GRCh37 (hg19) VCF-style: chr9-96018627-C-A.
Other names: c.2081C>A, p.Ser694Tyr (NM_001282394.3); short protein forms S694Y.
Identifiers: ClinVar variation 4605306 (VCV004605306.1).
Genomic context (GRCh38, chr9:93,256,345, plus strand): 5'-GGTGCTCTCTGCAGCCTGGCTTGCCGGTGGGCTCTGTCCCGGCCCCCGCCTGCCCTCCGT[C>A]CCTCCAGCAGCACTTCCCGGATCCGGCCATGAGCTTCGCCCCCGTGCTGCCGCCGCCCAG-3'
Protein context (NP_006639.3, residues 684-704): GSVPAPACPP[Ser694Tyr]LQQHFPDPAM

ClinVar aggregate classification (germline): Uncertain significance (1 of 4 stars; one submission).

Submission:

Ambry Genetics
Classification: Uncertain significance. Last evaluated: 2025-10-27. Review status: criteria provided, single submitter. Criteria: Ambry Variant Classification Scheme 2023. Collection method: clinical testing. Allele origin: germline.
Comment: The p.S694Y variant (also known as c.2081C>A), located in coding exon 9 of the WNK2 gene, results from a C to A substitution at nucleotide position 2081. The serine at codon 694 is replaced by tyrosine, an amino acid with dissimilar properties. This amino acid position is conserved. In addition, this alteration is predicted to be tolerated by in silico analysis. Based on the available evidence, the clinical significance of this variant remains unclear.